The following is an entry in ClinVar:

NM_020461.4(TUBGCP6):c.742-1G>C

Gene: TUBGCP6 (tubulin gamma complex component 6; minus strand). Cytogenetic location: 22q13.33.
Variant type: single nucleotide variant.
Coding change: c.742-1G>C on transcript NM_020461.4 (MANE Select); the canonical splice acceptor site of the intron before coding-DNA position 742, G replaced by C.
Molecular consequence: splice acceptor variant.
Genome position (GRCh38, 1-based): chr22:50,240,368, C>G on the plus strand (G>C on the coding strand, the complement: TUBGCP6 is on the minus strand). VCF-style: chr22-50240368-C-G. GRCh37 (hg19) VCF-style: chr22-50678797-C-G.
Identifiers: ClinVar variation 1487978 (VCV001487978.6), dbSNP rs2147213908, ClinGen allele CA412112606.

ClinVar aggregate classification (germline): Likely pathogenic (1 of 4 stars; one submission).

Allele frequency attached by ClinVar (database versions not stated): gnomAD exomes below 0.00001.
gnomAD v4.1: 1 of 1,613,944 alleles (0.000062%); highest among the groups gnomAD compares: Admixed American, 0.0017%; no homozygotes.

Submission:

Labcorp Genetics (formerly Invitae), Labcorp
Classification: Likely pathogenic. Last evaluated: 2021-07-03. Review status: criteria provided, single submitter. Criteria: Invitae Variant Classification Sherloc (09022015). Collection method: clinical testing. Allele origin: germline.
Comment: This sequence change affects an acceptor splice site in intron 1 of the TUBGCP6 gene. It is expected to disrupt RNA splicing. Variants that disrupt the donor or acceptor splice site typically lead to a loss of protein function (PMID: 16199547), and loss-of-function variants in TUBGCP6 are known to be pathogenic (PMID: 25344692). This variant is not present in population databases (ExAC no frequency). This variant has not been reported in the literature in individuals affected with TUBGCP6-related conditions. Algorithms developed to predict the effect of sequence changes on RNA splicing suggest that this variant may disrupt the consensus splice site. In summary, the currently available evidence indicates that the variant is pathogenic, but additional data are needed to prove that conclusively. Therefore, this variant has been classified as Likely Pathogenic.

Literature cited by the submitters: PubMed 16199547; PubMed 25344692.